The following is an entry in ClinVar:

ClinVar aggregate classification (germline): Uncertain significance (1 of 4 stars; one submission).

Conditions:
Early-infantile DEE. Also called: Early infantile epileptic encephalopathy; Ohtahara syndrome; Early infantile epileptic encephalopathy with suppression bursts. Identifiers: Orphanet 1934, MedGen C0393706, MONDO:0800491.

Submission:

Labcorp Genetics (formerly Invitae), Labcorp
Classification: Uncertain significance for Early-infantile DEE. Last evaluated: 2022-04-07. Review status: criteria provided, single submitter. Criteria: Invitae Variant Classification Sherloc (09022015). Collection method: clinical testing. Allele origin: germline.
Comment: This sequence change replaces methionine, which is neutral and non-polar, with lysine, which is basic and polar, at codon 1558 of the SCN1A protein (p.Met1558Lys). In summary, the available evidence is currently insufficient to determine the role of this variant in disease. Therefore, it has been classified as a Variant of Uncertain Significance. Advanced modeling of protein sequence and biophysical properties (such as structural, functional, and spatial information, amino acid conservation, physicochemical variation, residue mobility, and thermodynamic stability) performed at Invitae indicates that this missense variant is expected to disrupt SCN1A protein function. This variant has not been reported in the literature in individuals affected with SCN1A-related conditions. This variant is not present in population databases (gnomAD no frequency).

NM_001165963.4(SCN1A):c.4673T>A (p.Met1558Lys)

Genes: SCN1A (sodium voltage-gated channel alpha subunit 1; minus strand), LOC102724058 (uncharacterized LOC102724058; plus strand). Cytogenetic location: 2q24.3.
Variant type: single nucleotide variant.
Coding change: c.4673T>A on transcript NM_001165963.4 (MANE Select); coding-DNA position 4673, T replaced by A.
Protein change: p.Met1558Lys; replaces methionine 1558 with lysine.
Molecular consequence: missense variant. On other transcripts: non-coding transcript variant (1).
Genome position (GRCh38, 1-based): chr2:165,994,325, A>T on the plus strand (T>A on the coding strand, the complement: SCN1A is on the minus strand). VCF-style: chr2-165994325-A-T. GRCh37 (hg19) VCF-style: chr2-166850835-A-T.
Other names: c.4673T>A, p.Met1558Lys (NM_001353948.2, NM_001202435.3); c.4640T>A, p.Met1547Lys (NM_001353949.2, NM_001353950.2, NM_001353951.2 and 2 more transcripts); c.4637T>A, p.Met1546Lys (NM_001353954.2, NM_001353955.2); c.4589T>A, p.Met1530Lys (NM_001353957.2, NM_001353958.2, NM_001165964.3); c.4586T>A, p.Met1529Lys (NM_001353960.2); c.2231T>A, p.Met744Lys (NM_001353961.2); short protein forms M1547K, M1529K, M1530K, M1546K, M1558K, M744K.
Identifiers: ClinVar variation 2122473 (VCV002122473.4), dbSNP rs2468360609, ClinGen allele CA349072140.